The following is an entry in ClinVar:

NM_001267550.2(TTN):c.101953G>C (p.Glu33985Gln)

Genes: TTN (titin; minus strand), TTN-AS1 (TTN antisense RNA 1; plus strand). Cytogenetic location: 2q31.2.
Variant type: single nucleotide variant.
Coding change: c.101953G>C on transcript NM_001267550.2 (MANE Select); coding-DNA position 101953, G replaced by C.
Protein change: p.Glu33985Gln; replaces glutamic acid 33985 with glutamine.
Molecular consequence: missense variant.
Genome position (GRCh38, 1-based): chr2:178,534,662, C>G on the plus strand (G>C on the coding strand, the complement: TTN is on the minus strand). VCF-style: chr2-178534662-C-G. GRCh37 (hg19) VCF-style: chr2-179399389-C-G.
Other names: c.97030G>C, p.Glu32344Gln (NM_001256850.1); c.74758G>C, p.Glu24920Gln (NM_003319.4); c.94249G>C, p.Glu31417Gln (NM_133378.4); c.75133G>C, p.Glu25045Gln (NM_133432.3); c.75334G>C, p.Glu25112Gln (NM_133437.4); short protein forms E24920Q, E31417Q, E25112Q, E25045Q, E32344Q, E33985Q.
Identifiers: ClinVar variation 1037479 (VCV001037479.8), dbSNP rs534613934, ClinGen allele CA1985821.
Genomic context (GRCh38, chr2:178,534,662, plus strand): 5'-CCAGTGTTCCAAGTGACCACATGTCTGTGGCTGTGCTGACAACATCATGCTGGTGGACTT[C>G]AGGTGCATAGTATTCTGGGGCAGTGAATAGAAGCCTGAAGTTGTCCCCTGGTTTCAGCTG-3'
Protein context (NP_001254479.2, residues 33975-33995): LFTAPEYYAP[Glu33985Gln]VHQHDVVSTA

ClinVar aggregate classification (germline): Conflicting classifications of pathogenicity. Review status: criteria provided, conflicting classifications (1 of 4 stars). 2 submissions from 2 submitters: Uncertain significance (1); Likely benign (1). Last evaluated 2022-07-18.

Conditions:
Dilated cardiomyopathy 1G (CMD1G). Identifiers: Orphanet 154, MedGen C1858763, MONDO:0011400, OMIM 604145.
Autosomal recessive limb-girdle muscular dystrophy type 2J (LGMDR10). Also called: MUSCULAR DYSTROPHY, LIMB-GIRDLE, AUTOSOMAL RECESSIVE 10; Limb-girdle muscular dystrophy, type 2J. Identifiers: Orphanet 140922, MedGen C1837342, MONDO:0012127, OMIM 608807.

Allele frequency attached by ClinVar (database versions not stated): TOPMed 0.00001; ExAC 0.00002; gnomAD exomes 0.00004; 1000 Genomes Project 30x 0.00031; 1000 Genomes Project 0.00040.
gnomAD v4.1: 35 of 1,613,746 alleles (0.0022%); highest among the groups gnomAD compares: Non-Finnish European, 0.00042%; no homozygotes.

Submissions (2):

Blueprint Genetics
Classification: Likely benign. Last evaluated: 2022-07-18. Review status: criteria provided, single submitter. Criteria: ACMG Guidelines, 2015. Collection method: clinical testing. Allele origin: germline.

Labcorp Genetics (formerly Invitae), Labcorp
Classification: Uncertain significance for Dilated cardiomyopathy 1G; Autosomal recessive limb-girdle muscular dystrophy type 2J. Last evaluated: 2020-02-04. Review status: criteria provided, single submitter. Criteria: Invitae Variant Classification Sherloc (09022015). Collection method: clinical testing. Allele origin: germline.
Comment: Algorithms developed to predict the effect of missense changes on protein structure and function are unavailable for the TTN gene. This variant is located in the M band of TTN (PMID: 25589632). Variants in this region may be relevant for neuromuscular disorders, but have not been definitively shown to cause cardiomyopathy (PMID: 23975875). In summary, the available evidence is currently insufficient to determine the role of this variant in disease. Therefore, it has been classified as a Variant of Uncertain Significance. This variant has not been reported in the literature in individuals with TTN-related conditions. This variant is present in population databases (rs534613934, ExAC 0.03%). This sequence change replaces glutamic acid with glutamine at codon 33985 of the TTN protein (p.Glu33985Gln). There is a small physicochemical difference between glutamic acid and glutamine.

Literature cited by the submitters: PubMed 25589632 (cited by Labcorp Genetics (formerly Invitae), Labcorp); PubMed 23975875 (cited by Labcorp Genetics (formerly Invitae), Labcorp).